The following is an entry in ClinVar:

ClinVar aggregate classification (germline): Uncertain significance. Review status: criteria provided, multiple submitters, no conflicts (2 of 4 stars). 2 submissions from 2 submitters: Uncertain significance (2). Last evaluated 2025-04-07.

Conditions:
Inborn genetic diseases. Identifiers: MedGen C0950123, MeSH D030342.
Muscular dystrophy-dystroglycanopathy (congenital with brain and eye anomalies), type a, 8 (MDDGA8). Also called: WALKER-WARBURG SYNDROME OR MUSCLE-EYE-BRAIN DISEASE, GTDC2-RELATED. Identifiers: Orphanet 899, MedGen C3553813, MONDO:0013904, OMIM 614830.

Allele frequency attached by ClinVar (database versions not stated): TOPMed 0.00001; gnomAD exomes 0.00003 and 0.00005; ExAC 0.00004; gnomAD 0.00007.
gnomAD v4.1: 48 of 1,609,944 alleles (0.003%); highest among the groups gnomAD compares: Non-Finnish European, 0.00068%; no homozygotes.

Submissions (2):

Ambry Genetics
Classification: Uncertain significance for Inborn genetic diseases. Last evaluated: 2025-04-07. Review status: criteria provided, single submitter. Criteria: Ambry Variant Classification Scheme 2023. Collection method: clinical testing. Allele origin: germline.

Labcorp Genetics (formerly Invitae), Labcorp
Classification: Uncertain significance for Muscular dystrophy-dystroglycanopathy (congenital with brain and eye anomalies), type a, 8. Last evaluated: 2024-12-02. Review status: criteria provided, single submitter. Criteria: Invitae Variant Classification Sherloc (09022015). Collection method: clinical testing. Allele origin: germline.
Comment: This sequence change replaces histidine, which is basic and polar, with arginine, which is basic and polar, at codon 28 of the POMGNT2 protein (p.His28Arg). This variant is present in population databases (rs766508088, gnomAD 0.04%). This variant has not been reported in the literature in individuals affected with POMGNT2-related conditions. ClinVar contains an entry for this variant (Variation ID: 999608). Invitae Evidence Modeling of protein sequence and biophysical properties (such as structural, functional, and spatial information, amino acid conservation, physicochemical variation, residue mobility, and thermodynamic stability) indicates that this missense variant is not expected to disrupt POMGNT2 protein function with a negative predictive value of 80%. In summary, the available evidence is currently insufficient to determine the role of this variant in disease. Therefore, it has been classified as a Variant of Uncertain Significance.

NM_032806.6(POMGNT2):c.83A>G (p.His28Arg)

Gene: POMGNT2 (protein O-linked mannose N-acetylglucosaminyltransferase 2 (beta 1,4-); minus strand). Cytogenetic location: 3p22.1.
Variant type: single nucleotide variant.
Coding change: c.83A>G on transcript NM_032806.6 (MANE Select); coding-DNA position 83, A replaced by G.
Protein change: p.His28Arg; replaces histidine 28 with arginine.
Molecular consequence: missense variant.
Genome position (GRCh38, 1-based): chr3:43,081,349, T>C on the plus strand (A>G on the coding strand, the complement: POMGNT2 is on the minus strand). VCF-style: chr3-43081349-T-C. GRCh37 (hg19) VCF-style: chr3-43122841-T-C.
Other names: c.83A>G (NM_032806.4); short protein forms H28R.
Identifiers: ClinVar variation 999608 (VCV000999608.5), dbSNP rs766508088, ClinGen allele CA2340157.
Genomic context (GRCh38, chr3:43,081,349, plus strand): 5'-GCTGGGGCTGGCTCTGTGGCCTGTCGGCTGAGGGCCAGCTCCTCCTCCAGTGTGGCTGCA[T>C]GCTCACGCAGCCGCACATGCTTCCACAGGACCGCTGCCAGCACCGACACCAGGAGGGCGT-3'
Protein context (NP_116195.2, residues 18-38): VLWKHVRLRE[His28Arg]AATLEEELAL